The following is an entry in ClinVar:

NM_003640.5(ELP1):c.22C>T (p.Arg8Trp)

Gene: ELP1 (elongator acetyltransferase complex subunit 1; minus strand). Cytogenetic location: 9q31.3.
Variant type: single nucleotide variant.
Coding change: c.22C>T on transcript NM_003640.5 (MANE Select); coding-DNA position 22, C replaced by T.
Protein change: p.Arg8Trp; replaces arginine 8 with tryptophan.
Molecular consequence: missense variant. On other transcripts: 5 prime UTR variant (1), intron variant (1).
Genome position (GRCh38, 1-based): chr9:108,931,125, G>A on the plus strand (C>T on the coding strand, the complement: ELP1 is on the minus strand). VCF-style: chr9-108931125-G-A. GRCh37 (hg19) VCF-style: chr9-111693405-G-A.
Other names: p.Arg8Trp; c.22C>T (LRG_251t1); c.-838C>T (NM_001330749.2); c.-252-69C>T (NM_001318360.2); short protein forms R8W.
Identifiers: ClinVar variation 455958 (VCV000455958.10), dbSNP rs150202264, ClinGen allele CA5175485.

ClinVar aggregate classification (germline): Uncertain significance. Review status: criteria provided, multiple submitters, no conflicts (2 of 4 stars). 4 submissions from 4 submitters: Uncertain significance (3). 1 of the submissions does not count toward it. Last evaluated 2025-10-17.

Conditions:
Familial dysautonomia. Also called: FD; HSAN III. Identifiers: Orphanet 1764, MedGen C0013364, MONDO:0009131, OMIM 223900. Disease mechanism: loss of function.
Medulloblastoma (MDB). Also called: Medulloblastoma, somatic; MEDULLOBLASTOMA PREDISPOSITION SYNDROME. Identifiers: Orphanet 616, MedGen C0025149, MeSH D008527, MONDO:0007959, OMIM 155255, HP:0002885.

Allele frequency attached by ClinVar (database versions not stated): ExAC 0.00001; gnomAD 0.00001; gnomAD exomes 0.00001; TOPMed 0.00001; ESP Exome Variant Server 0.00008.
gnomAD v4.1: 12 of 1,613,938 alleles (0.00074%); highest among the groups gnomAD compares: East Asian, 0.0022%; no homozygotes.

Submissions (4):

Mayo Clinic Laboratories, Mayo Clinic
Classification: Uncertain significance. Last evaluated: 2025-10-17. Review status: criteria provided, single submitter. Criteria: ACMG Guidelines, 2015. Collection method: clinical testing. Allele origin: germline. Observed: 1 variant allele.
Comment: BP4, PM2_supporting

Fulgent Genetics
Classification: Uncertain significance for Medulloblastoma; Familial dysautonomia. Last evaluated: 2022-05-26. Review status: criteria provided, single submitter. Criteria: ACMG Guidelines, 2015. Collection method: clinical testing. Allele origin: unknown.

Labcorp Genetics (formerly Invitae), Labcorp
Classification: Uncertain significance. Last evaluated: 2021-08-27. Review status: criteria provided, single submitter. Criteria: Invitae Variant Classification Sherloc (09022015). Collection method: clinical testing. Allele origin: germline.
Comment: This sequence change replaces arginine with tryptophan at codon 8 of the ELP1 protein (p.Arg8Trp). The arginine residue is weakly conserved and there is a moderate physicochemical difference between arginine and tryptophan. This variant is present in population databases (rs150202264, ExAC 0.001%). This variant has not been reported in the literature in individuals affected with ELP1-related conditions. Algorithms developed to predict the effect of missense changes on protein structure and function are either unavailable or do not agree on the potential impact of this missense change (SIFT: "Tolerated"; PolyPhen-2: "Possibly Damaging"; Align-GVGD: "Class C0"). In summary, the available evidence is currently insufficient to determine the role of this variant in disease. Therefore, it has been classified as a Variant of Uncertain Significance.

Natera, Inc.
Classification: Uncertain significance for Hereditary sensory and autonomic neuropathy type III. Last evaluated: 2020-01-24. Review status: no assertion criteria provided. Collection method: clinical testing. Allele origin: germline. Not counted in ClinVar's aggregate classification.